The following is an entry in ClinVar:

ClinVar aggregate classification (germline): Uncertain significance (1 of 4 stars; one submission).

Conditions:
Nephronophthisis 18 (NPHP18). Identifiers: Orphanet 655, MedGen C3890591, MONDO:0014374, OMIM 615862.

Allele frequency attached by ClinVar (database versions not stated): gnomAD exomes below 0.00001 and 0.00002; gnomAD 0.00001; ExAC 0.00002; TOPMed 0.00002.
gnomAD v4.1: 6 of 1,612,218 alleles (0.00037%); highest among the groups gnomAD compares: East Asian, 0.011%; no homozygotes.

Submission:

Labcorp Genetics (formerly Invitae), Labcorp
Classification: Uncertain significance for Nephronophthisis 18. Last evaluated: 2024-02-24. Review status: criteria provided, single submitter. Criteria: Invitae Variant Classification Sherloc (09022015). Collection method: clinical testing. Allele origin: germline.
Comment: This sequence change replaces asparagine, which is neutral and polar, with serine, which is neutral and polar, at codon 196 of the CEP83 protein (p.Asn196Ser). This variant is present in population databases (rs772202501, gnomAD 0.03%). This variant has not been reported in the literature in individuals affected with CEP83-related conditions. ClinVar contains an entry for this variant (Variation ID: 1026808). Advanced modeling of protein sequence and biophysical properties (such as structural, functional, and spatial information, amino acid conservation, physicochemical variation, residue mobility, and thermodynamic stability) performed at Invitae indicates that this missense variant is not expected to disrupt CEP83 protein function with a negative predictive value of 80%. In summary, the available evidence is currently insufficient to determine the role of this variant in disease. Therefore, it has been classified as a Variant of Uncertain Significance.

NM_016122.3(CEP83):c.587A>G (p.Asn196Ser)

Gene: CEP83 (centrosomal protein 83; minus strand). Cytogenetic location: 12q22.
Variant type: single nucleotide variant.
Coding change: c.587A>G on transcript NM_016122.3 (MANE Select); coding-DNA position 587, A replaced by G.
Protein change: p.Asn196Ser; replaces asparagine 196 with serine.
Molecular consequence: missense variant. On other transcripts: non-coding transcript variant (3).
Genome position (GRCh38, 1-based): chr12:94,379,005, T>C on the plus strand (A>G on the coding strand, the complement: CEP83 is on the minus strand). VCF-style: chr12-94379005-T-C. GRCh37 (hg19) VCF-style: chr12-94772781-T-C.
Other names: c.587A>G, p.Asn196Ser (NM_001042399.2, NM_001346457.2, NM_001346460.2 and 3 more transcripts); c.275A>G, p.Asn92Ser (NM_001346458.2, NM_001346459.2, NM_001346462.2 and 2 more transcripts); c.362A>G, p.Asn121Ser (NM_001368041.1); c.50A>G, p.Asn17Ser (NM_001368042.1); short protein forms N121S, N17S, N196S, N92S.
Identifiers: ClinVar variation 1026808 (VCV001026808.6), dbSNP rs772202501, ClinGen allele CA6721885.